The following is an entry in ClinVar:

ClinVar aggregate classification (germline): Uncertain significance (1 of 4 stars; one submission).

Conditions:
Hereditary nonpolyposis colorectal neoplasms. Identifiers: MedGen C0009405, MeSH D003123.

Submission:

Labcorp Genetics (formerly Invitae), Labcorp
Classification: Uncertain significance for Hereditary nonpolyposis colorectal neoplasms. Last evaluated: 2023-11-06. Review status: criteria provided, single submitter. Criteria: Invitae Variant Classification Sherloc (09022015). Collection method: clinical testing. Allele origin: germline.
Comment: This sequence change replaces asparagine, which is neutral and polar, with lysine, which is basic and polar, at codon 79 of the PMS2 protein (p.Asn79Lys). This variant is not present in population databases (gnomAD no frequency). This variant has not been reported in the literature in individuals affected with PMS2-related conditions. ClinVar contains an entry for this variant (Variation ID: 1720900). Advanced modeling of protein sequence and biophysical properties (such as structural, functional, and spatial information, amino acid conservation, physicochemical variation, residue mobility, and thermodynamic stability) performed at Invitae indicates that this missense variant is expected to disrupt PMS2 protein function with a positive predictive value of 80%. In summary, the available evidence is currently insufficient to determine the role of this variant in disease. Therefore, it has been classified as a Variant of Uncertain Significance.

NM_000535.7(PMS2):c.237C>G (p.Asn79Lys)

Gene: PMS2 (PMS1 homolog 2, mismatch repair system component; minus strand). Cytogenetic location: 7p22.1.
Variant type: single nucleotide variant.
Coding change: c.237C>G on transcript NM_000535.7 (MANE Select); coding-DNA position 237, C replaced by G.
Protein change: p.Asn79Lys; replaces asparagine 79 with lysine.
Molecular consequence: missense variant. On other transcripts: 5 prime UTR variant (9), non-coding transcript variant (1).
Genome position (GRCh38, 1-based): chr7:6,003,985, G>C on the plus strand (C>G on the coding strand, the complement: PMS2 is on the minus strand). VCF-style: chr7-6003985-G-C. GRCh37 (hg19) VCF-style: chr7-6043616-G-C.
Other names: c.-169C>G (NM_001322004.2, NM_001322005.2, NM_001322009.2 and 14 more transcripts); c.237C>G, p.Asn79Lys (NM_001322006.2, NM_001322014.2, NM_001406868.1 and 10 more transcripts); c.22C>G, p.Leu8Val (NM_001322007.2, NM_001322008.2, NM_001406876.1 and 4 more transcripts); c.-648C>G (NM_001322011.2, NM_001322012.2); c.-248C>G (NM_001322015.2, NM_001406875.1, NM_001406877.1 and 3 more transcripts); c.423C>G, p.Asn141Lys (NM_001406866.1); c.-195C>G (NM_001406880.1); c.-145C>G (NM_001406881.1, NM_001406900.1); and 2 more; short protein forms L8V, N141K, N79K.
Identifiers: ClinVar variation 1720900 (VCV001720900.5), dbSNP rs2536512447, ClinGen allele CA366744774.